The following is an entry in ClinVar:

ClinVar aggregate classification (germline): Uncertain significance (1 of 4 stars; one submission).

Submission:

Labcorp Genetics (formerly Invitae), Labcorp
Classification: Uncertain significance. Last evaluated: 2022-07-05. Review status: criteria provided, single submitter. Criteria: Invitae Variant Classification Sherloc (09022015). Collection method: clinical testing. Allele origin: germline.
Comment: In summary, the available evidence is currently insufficient to determine the role of this variant in disease. Therefore, it has been classified as a Variant of Uncertain Significance. Algorithms developed to predict the effect of missense changes on protein structure and function are either unavailable or do not agree on the potential impact of this missense change (SIFT: "Deleterious"; PolyPhen-2: "Possibly Damaging"; Align-GVGD: "Class C0"). ClinVar contains an entry for this variant (Variation ID: 1470681). This variant has not been reported in the literature in individuals affected with RCBTB1-related conditions. This variant is not present in population databases (gnomAD no frequency). This sequence change replaces threonine, which is neutral and polar, with proline, which is neutral and non-polar, at codon 112 of the RCBTB1 protein (p.Thr112Pro).

NM_018191.4(RCBTB1):c.334A>C (p.Thr112Pro)

Gene: RCBTB1 (RCC1 and BTB domain containing protein 1; minus strand). Cytogenetic location: 13q14.2.
Variant type: single nucleotide variant.
Coding change: c.334A>C on transcript NM_018191.4 (MANE Select); coding-DNA position 334, A replaced by C.
Protein change: p.Thr112Pro; replaces threonine 112 with proline.
Molecular consequence: missense variant. On other transcripts: 5 prime UTR variant (1), non-coding transcript variant (2).
Genome position (GRCh38, 1-based): chr13:49,560,028, T>G on the plus strand (A>C on the coding strand, the complement: RCBTB1 is on the minus strand). VCF-style: chr13-49560028-T-G. GRCh37 (hg19) VCF-style: chr13-50134164-T-G.
Other names: c.334A>C, p.Thr112Pro (NM_001352500.2, NM_001352501.2, NM_001352502.2 and 3 more transcripts); c.-276A>C (NM_001352506.2); short protein forms T112P.
Identifiers: ClinVar variation 1470681 (VCV001470681.6), dbSNP rs554020308, ClinGen allele CA388192548.